The following is an entry in ClinVar:

ClinVar aggregate classification (germline): Uncertain significance (1 of 4 stars; one submission).

Submission:

GeneDx
Classification: Uncertain significance. Last evaluated: 2022-09-06. Review status: criteria provided, single submitter. Criteria: GeneDx Variant Classification Process June 2021. Collection method: clinical testing. Allele origin: germline. Affected: yes.
Comment: Not observed at significant frequency in large population cohorts (gnomAD); In silico analysis supports that this missense variant has a deleterious effect on protein structure/function; Has not been previously published as pathogenic or benign to our knowledge

NM_001379403.1(WDR26):c.2026T>G (p.Ser676Ala)

Gene: WDR26 (WD repeat domain 26; minus strand). Cytogenetic location: 1q42.11.
Variant type: single nucleotide variant.
Coding change: c.2026T>G on transcript NM_001379403.1 (MANE Select); coding-DNA position 2026, T replaced by G.
Protein change: p.Ser676Ala; replaces serine 676 with alanine.
Molecular consequence: missense variant.
Genome position (GRCh38, 1-based): chr1:224,398,145, A>C on the plus strand (T>G on the coding strand, the complement: WDR26 is on the minus strand). VCF-style: chr1-224398145-A-C. GRCh37 (hg19) VCF-style: chr1-224585847-A-C.
Other names: c.1678T>G, p.Ser560Ala (NM_001115113.3); c.1726T>G, p.Ser576Ala (NM_025160.7); short protein forms S560A, S576A, S676A.
Identifiers: ClinVar variation 2443503 (VCV002443503.1), dbSNP rs2464678646, ClinGen allele CA344746631.